The following is an entry in ClinVar:

ClinVar aggregate classification (germline): Uncertain significance (1 of 4 stars; one submission).

Conditions:
Hereditary cancer-predisposing syndrome. Also called: Neoplastic Syndromes, Hereditary; Tumor predisposition; Hereditary neoplastic syndrome; Hereditary Cancer Syndrome. Identifiers: Orphanet 140162, MedGen C0027672, MeSH D009386, MONDO:0015356.

Submission:

Ambry Genetics
Classification: Uncertain significance for Hereditary cancer-predisposing syndrome. Last evaluated: 2026-07-06. Review status: criteria provided, single submitter. Criteria: Ambry Variant Classification Scheme 2023. Collection method: clinical testing. Allele origin: germline.
Comment: The p.L385V variant (also known as c.1153C>G), located in coding exon 9 of the SUFU gene, results from a C to G substitution at nucleotide position 1153. The leucine at codon 385 is replaced by valine, an amino acid with highly similar properties. This amino acid position is conserved. In addition, this alteration is predicted to be tolerated by in silico analysis. Based on the available evidence, the clinical significance of this variant remains unclear.

NM_016169.4(SUFU):c.1153C>G (p.Leu385Val)

Gene: SUFU (SUFU negative regulator of hedgehog signaling; plus strand). Cytogenetic location: 10q24.32.
Variant type: single nucleotide variant.
Coding change: c.1153C>G on transcript NM_016169.4 (MANE Select); coding-DNA position 1153, C replaced by G.
Protein change: p.Leu385Val; replaces leucine 385 with valine.
Molecular consequence: missense variant.
Genome position (GRCh38, 1-based): chr10:102,615,398, C>G. VCF-style: chr10-102615398-C-G. GRCh37 (hg19) VCF-style: chr10-104375155-C-G.
Other names: c.1153C>G, p.Leu385Val (NM_001178133.2); short protein forms L385V.
Identifiers: ClinVar variation 5030371 (VCV005030371.1).
Genomic context (GRCh38, chr10:102,615,398, plus strand): 5'-CAGCTTGAGAGCGTACATCTGAAATTCAACCAGGAGTCCGGAGCCCTCATTCCTCTCTGC[C>G]TAAGGTGAGCGAGACAGCCCTGCCACACAGTTTACCCCACAGCACCCAGCTCAGCCTCCA-3'
Protein context (NP_057253.2, residues 375-395): QESGALIPLC[Leu385Val]RGRLLHGRHF